The following is an entry in ClinVar:

NM_015599.3(PGM3):c.389+19_389+21delinsTTG

Gene: PGM3 (phosphoglucomutase 3; minus strand). Cytogenetic location: 6q14.1.
Variant type: Indel.
Coding change: c.389+19_389+21delinsTTG on transcript NM_015599.3 (MANE Select); bases 19 to 21 of the intron after coding-DNA position 389, GGT replaced by TTG.
Molecular consequence: intron variant.
Genome position (GRCh38, 1-based): chr6:83,188,593-83,188,595, ACC replaced by CAA on the plus strand (GGT replaced by TTG on the coding strand, the reverse complement: PGM3 is on the minus strand). VCF-style: chr6-83188593-ACC-CAA. GRCh37 (hg19) VCF-style: chr6-83898312-ACC-CAA.
Other names: c.473+19_473+21delinsTTG (NM_001199917.2, NM_001367287.1); c.146+19_146+21delinsTTG (NM_001199918.2); c.389+19_389+21delinsTTG (NM_001367286.1, NM_001199919.2).
Identifiers: ClinVar variation 1905515 (VCV001905515.2), dbSNP rs2538209491, ClinGen allele CA2580075924.
Genomic context (GRCh38, chr6:83,188,593, plus strand): 5'-TTGTCTTGGATTAAAACTGATACAATCGTTTATATCACGTTCCCAAAGGTTTTTTTTTTT[ACC>CAA]AGTAACTCTTATCATCACCTGGTATCTCTACCAATAACTACAAAGGCATCTTGTTGCAGA-3'

ClinVar aggregate classification (germline): Uncertain significance (1 of 4 stars; one submission).

Conditions:
Immunodeficiency 23 (IMD23). Also called: IMMUNODEFICIENCY WITH HYPER IgE AND COGNITIVE IMPAIRMENT; IMMUNODEFICIENCY-VASCULITIS-MYOCLONUS SYNDROME. Identifiers: Orphanet 443811, MedGen C4014371, MONDO:0014353, OMIM 615816.

Submission:

Labcorp Genetics (formerly Invitae), Labcorp
Classification: Uncertain significance for Immunodeficiency 23. Last evaluated: 2022-06-14. Review status: criteria provided, single submitter. Criteria: Invitae Variant Classification Sherloc (09022015). Collection method: clinical testing. Allele origin: germline.
Comment: This sequence change falls in intron 4 of the PGM3 gene. It does not directly change the encoded amino acid sequence of the PGM3 protein. Information on the frequency of this variant in the gnomAD database is not available, as this variant may be reported differently in the database. This variant has not been reported in the literature in individuals affected with PGM3-related conditions. Experimental studies and prediction algorithms are not available or were not evaluated, and the effect of this variant on mRNA splicing is currently unknown. In summary, the available evidence is currently insufficient to determine the role of this variant in disease. Therefore, it has been classified as a Variant of Uncertain Significance.